The following is an entry in ClinVar:

ClinVar aggregate classification (germline): Conflicting classifications of pathogenicity. Review status: criteria provided, conflicting classifications (1 of 4 stars). 7 submissions from 7 submitters: Uncertain significance (1); Likely benign (5). 1 of the submissions does not count toward it. Last evaluated 2025-12-24.

Conditions:
Cardiovascular phenotype. Identifiers: MedGen CN230736.
Glycogen storage disease, type II (IOPD). Also called: Glycogen storage disease type 2; Acid maltase deficiency disease; Aglucosidase alfa; Deficiency of alpha-glucosidase; Deficiency of lysosomal alpha-glucosidase; CARDIOMEGALIA GLYCOGENICA DIFFUSA. Identifiers: Orphanet 365, MedGen C0017921, MONDO:0009290, OMIM 232300.

Allele frequency attached by ClinVar (database versions not stated): TOPMed 0.00006; ESP Exome Variant Server 0.00008; gnomAD 0.00003.
gnomAD v4.1: 57 of 1,613,408 alleles (0.0035%); highest among the groups gnomAD compares: Non-Finnish European, 0.0048%; no homozygotes.

Submissions (7):

Labcorp Genetics (formerly Invitae), Labcorp
Classification: Likely benign for Glycogen storage disease, type II. Last evaluated: 2025-12-24. Review status: criteria provided, single submitter. Criteria: Invitae Variant Classification Sherloc (09022015). Collection method: clinical testing. Allele origin: germline.

Blueprint Genetics
Classification: Likely benign. Last evaluated: 2024-10-01. Review status: criteria provided, single submitter. Criteria: ACMG Guidelines, 2015. Collection method: clinical testing. Allele origin: germline.

Ambry Genetics
Classification: Likely benign for Cardiovascular phenotype. Last evaluated: 2022-06-27. Review status: criteria provided, single submitter. Criteria: Ambry Variant Classification Scheme 2023. Collection method: clinical testing. Allele origin: germline.

Genome-Nilou Lab
Classification: Likely benign for Glycogen storage disease, type II. Last evaluated: 2021-07-22. Review status: criteria provided, single submitter. Criteria: ACMG Guidelines, 2015. Collection method: clinical testing. Allele origin: germline. Affected: no.

Broad Center for Mendelian Genomics, Broad Institute of MIT and Harvard
Classification: Likely benign for Glycogen storage disease, type II. Last evaluated: 2020-01-22. Review status: criteria provided, single submitter. Criteria: ACMG Guidelines, 2015. Collection method: curation. Allele origin: germline. Inheritance: Autosomal recessive inheritance.
Comment: The c.2739C>G (p.Pro913=) variant in GAA has not been previously reported in individuals with Glycogen Storage Disease II but has been reported as a VUS by EGL Genetic Diagnostics and a likely benign variant by Invitae in ClinVar (Variation ID: 290924). This variant has been identified in 0.005% (7/128976) of European (non-Finnish) chromosomes by the Genome Aggregation Database (gnomAD; dbSNP rs370765733). Although this variant has been seen in the general population, its frequency is low enough to be consistent with a recessive carrier frequency. Computational prediction tools and conservation analyses suggest that this variant may not impact the protein, though this information is not predictive enough to rule out pathogenicity. However, novel synonymous variants supported by computational evidence without raised suspicion for an impact are likely benign (Richards 2015). In summary, although additional studies are required to fully establish its clinical significance, this variant is likely benign. ACMG/AMP Criteria applied: PM2, BP4, BP7 (Richards 2015).

Eurofins Ntd Llc (ga)
Classification: Uncertain significance. Last evaluated: 2015-06-03. Review status: criteria provided, single submitter. Criteria: EGL Classification Definitions 2015. Collection method: clinical testing. Allele origin: germline. Observed: 2 variant alleles, 2 heterozygotes.

Natera, Inc.
Classification: Likely benign for Glycogen storage disease type II. Last evaluated: 2020-02-27. Review status: no assertion criteria provided. Collection method: clinical testing. Allele origin: germline. Not counted in ClinVar's aggregate classification.

NM_000152.5(GAA):c.2739C>G (p.Pro913=)

Gene: GAA (alpha glucosidase; plus strand). Cytogenetic location: 17q25.3.
Variant type: single nucleotide variant.
Coding change: c.2739C>G on transcript NM_000152.5 (MANE Select); coding-DNA position 2739, C replaced by G.
Protein change: p.Pro913=; no amino-acid change (proline 913 retained).
Molecular consequence: synonymous variant.
Genome position (GRCh38, 1-based): chr17:80,118,745, C>G. VCF-style: chr17-80118745-C-G. GRCh37 (hg19) VCF-style: chr17-78092544-C-G.
Other names: c.2739C>G (LRG_673t1); c.2739C>G, p.Pro913= (NM_001079803.3, NM_001079804.3).
Identifiers: ClinVar variation 194914 (VCV000194914.27), dbSNP rs370765733, ClinGen allele CA241130.
Genomic context (GRCh38, chr17:80,118,745, plus strand): 5'-CAGTGAGGGAGCTGGCCTGCAGCTGCAGAAGGTGACTGTCCTGGGCGTGGCCACGGCGCC[C>G]CAGCAGGTCCTCTCCAACGGTGTCCCTGTCTCCAACTTCACCTACAGCCCCGACACCAAG-3'
Protein context (NP_000143.2, residues 903-923): KVTVLGVATA[Pro913=]QQVLSNGVPV